The following is an entry in ClinVar:

NM_014233.4(UBTF):c.2003G>T (p.Arg668Leu)

Genes: ATXN7L3-AS1 (ATXN7L3 antisense RNA 1; plus strand), UBTF (upstream binding transcription factor; minus strand). Cytogenetic location: 17q21.31.
Variant type: single nucleotide variant.
Coding change: c.2003G>T on transcript NM_014233.4 (MANE Select); coding-DNA position 2003, G replaced by T.
Protein change: p.Arg668Leu; replaces arginine 668 with leucine.
Molecular consequence: missense variant. On other transcripts: non-coding transcript variant (1).
Genome position (GRCh38, 1-based): chr17:44,207,721, C>A on the plus strand (G>T on the coding strand, the complement: UBTF is on the minus strand). VCF-style: chr17-44207721-C-A. GRCh37 (hg19) VCF-style: chr17-42285089-C-A.
Other names: c.1892G>T, p.Arg631Leu (NM_001076683.2, NM_001076684.3); short protein forms R631L, R668L.
Identifiers: ClinVar variation 3345433 (VCV003345433.1).

ClinVar aggregate classification (germline): Uncertain significance (0 of 4 stars; one submission).

Conditions:
UBTF-related disorder. Also called: UBTF-related condition.

gnomAD v4.1: 3 of 1,614,158 alleles (0.00019%); highest among the groups gnomAD compares: Non-Finnish European, 0.00025%; no homozygotes.

Submission:

PreventionGenetics, part of Exact Sciences
Classification: Uncertain significance for UBTF-related condition. Last evaluated: 2024-06-03. Review status: no assertion criteria provided. Collection method: clinical testing. Allele origin: germline.
Comment: The UBTF c.2003G>T variant is predicted to result in the amino acid substitution p.Arg668Leu. To our knowledge, this variant has not been reported in the literature or in a large population database, indicating this variant is rare. At this time, the clinical significance of this variant is uncertain due to the absence of conclusive functional and genetic evidence.